The following is an entry in ClinVar:

ClinVar aggregate classification (germline): Conflicting classifications of pathogenicity. Review status: criteria provided, conflicting classifications (1 of 4 stars). 3 submissions from 3 submitters: Uncertain significance (1); Likely benign (2). Last evaluated 2025-11-25.

Conditions:
Dyskeratosis congenita. Identifiers: Orphanet 1775, MedGen C0265965, MONDO:0015780.
Pulmonary fibrosis and/or bone marrow failure, Telomere-related, 3. Also called: PULMONARY FIBROSIS AND/OR BONE MARROW FAILURE SYNDROME, TELOMERE-RELATED, 3. Identifiers: Orphanet 2032, MedGen C4225346, MONDO:0014613, OMIM 616373.
Dyskeratosis congenita, autosomal recessive 5 (DKCB5). Identifiers: MedGen C3554656, MONDO:0014076, OMIM 615190.

Allele frequency attached by ClinVar (database versions not stated): gnomAD exomes 0.00002 and 0.00006; gnomAD 0.00003; ExAC 0.00005; 1000 Genomes Project 0.00020; 1000 Genomes Project 30x 0.00031.
gnomAD v4.1: 31 of 1,610,458 alleles (0.0019%); highest among the groups gnomAD compares: Middle Eastern, 0.044%; no homozygotes.

Submissions (3):

Labcorp Genetics (formerly Invitae), Labcorp
Classification: Likely benign for Dyskeratosis congenita, autosomal recessive 5; Pulmonary fibrosis and/or bone marrow failure, Telomere-related, 3. Last evaluated: 2025-11-25. Review status: criteria provided, single submitter. Criteria: Invitae Variant Classification Sherloc (09022015). Collection method: clinical testing. Allele origin: germline.

Blueprint Genetics
Classification: Likely benign. Last evaluated: 2024-10-04. Review status: criteria provided, single submitter. Criteria: ACMG Guidelines, 2015. Collection method: clinical testing. Allele origin: germline.

Sema4
Classification: Uncertain significance for Dyskeratosis congenita. Last evaluated: 2021-12-02. Review status: criteria provided, single submitter. Criteria: Sema4 Curation Guidelines. Collection method: curation. Allele origin: germline.
Comment: The RTEL1 c.103-13G>A variant has not been reported in the literature to our knowledge. This variant was observed in 9/35354 chromosomes in the Latino population according to the Genome Aggregation Database (PMID: 32461654). This variant has not been reported in ClinVar. In silico tools that predict the effect of sequence changes on splicing suggest that this variant may not impact splicing, though these predictions have not been confirmed by functional studies. The overall evidence is insufficient to meet ACMG/AMP criteria for classifying it as benign or pathogenic. In summary, the clinical significance of this variant is currently uncertain.

NM_001283009.2(RTEL1):c.103-13G>A

Genes: RTEL1 (regulator of telomere elongation helicase 1; plus strand), RTEL1-TNFRSF6B (RTEL1-TNFRSF6B readthrough (NMD candidate); plus strand). Cytogenetic location: 20q13.33.
Variant type: single nucleotide variant.
Coding change: c.103-13G>A on transcript NM_001283009.2 (MANE Select); 13 bases into the intron before coding-DNA position 103, G replaced by A.
Molecular consequence: intron variant.
Genome position (GRCh38, 1-based): chr20:63,661,285, G>A. VCF-style: chr20-63661285-G-A. GRCh37 (hg19) VCF-style: chr20-62292638-G-A.
Other names: c.-567-13G>A (NM_001283010.1); c.103-13G>A (NM_032957.5, NM_016434.4).
Identifiers: ClinVar variation 1592176 (VCV001592176.10), dbSNP rs183862736, ClinGen allele CA9964109.